The following is an entry in ClinVar:

ClinVar aggregate classification (germline): Uncertain significance. Review status: criteria provided, multiple submitters, no conflicts (2 of 4 stars). 2 submissions from 2 submitters: Uncertain significance (2). Last evaluated 2025-07-18.

Conditions:
Hereditary cancer-predisposing syndrome. Also called: Neoplastic Syndromes, Hereditary; Tumor predisposition; Hereditary Cancer Syndrome; Hereditary neoplastic syndrome. Identifiers: Orphanet 140162, MedGen C0027672, MeSH D009386, MONDO:0015356.
Neurofibromatosis, type 2 (SWNV). Also called: BILATERAL ACOUSTIC NEUROFIBROMATOSIS; SCHWANNOMATOSIS, VESTIBULAR; NF2-Related Schwannomatosis. Identifiers: Orphanet 637, MedGen C0027832, MONDO:0007039, OMIM 101000. Disease mechanism: loss of function.

Allele frequency attached by ClinVar (database versions not stated): TOPMed below 0.00001.

Submissions (2):

Labcorp Genetics (formerly Invitae), Labcorp
Classification: Uncertain significance for Neurofibromatosis, type 2. Last evaluated: 2025-07-18. Review status: criteria provided, single submitter. Criteria: Invitae Variant Classification Sherloc (09022015). Collection method: clinical testing. Allele origin: germline.
Comment: This sequence change replaces arginine, which is basic and polar, with glycine, which is neutral and non-polar, at codon 467 of the NF2 protein (p.Arg467Gly). This variant is not present in population databases (gnomAD no frequency). This variant has not been reported in the literature in individuals affected with NF2-related conditions. ClinVar contains an entry for this variant (Variation ID: 2194351). Invitae Evidence Modeling of protein sequence and biophysical properties (such as structural, functional, and spatial information, amino acid conservation, physicochemical variation, residue mobility, and thermodynamic stability) indicates that this missense variant is not expected to disrupt NF2 protein function with a negative predictive value of 80%. In summary, the available evidence is currently insufficient to determine the role of this variant in disease. Therefore, it has been classified as a Variant of Uncertain Significance.

Ambry Genetics
Classification: Uncertain significance for Hereditary cancer-predisposing syndrome. Last evaluated: 2025-02-16. Review status: criteria provided, single submitter. Criteria: Ambry Variant Classification Scheme 2023. Collection method: clinical testing. Allele origin: germline.
Comment: The p.R467G variant (also known as c.1399A>G), located in coding exon 13 of the NF2 gene, results from an A to G substitution at nucleotide position 1399. The arginine at codon 467 is replaced by glycine, an amino acid with dissimilar properties. This amino acid position is conserved. In addition, the in silico prediction for this alteration is inconclusive. Based on the available evidence, the clinical significance of this variant remains unclear.

NM_000268.4(NF2):c.1399A>G (p.Arg467Gly)

Gene: NF2 (NF2, moesin-ezrin-radixin like (MERLIN) tumor suppressor; plus strand). Cytogenetic location: 22q12.2.
Variant type: single nucleotide variant.
Coding change: c.1399A>G on transcript NM_000268.4 (MANE Select); coding-DNA position 1399, A replaced by G.
Protein change: p.Arg467Gly; replaces arginine 467 with glycine.
Molecular consequence: missense variant. On other transcripts: non-coding transcript variant (1), intron variant (1).
Genome position (GRCh38, 1-based): chr22:29,674,894, A>G. VCF-style: chr22-29674894-A-G. GRCh37 (hg19) VCF-style: chr22-30070883-A-G.
Other names: c.1285A>G, p.Arg429Gly (NM_001407053.1, NM_001407056.1); c.1276A>G, p.Arg426Gly (NM_001407054.1, NM_181829.3, NM_001407058.1); c.1399A>G, p.Arg467Gly (NM_001407066.1, NM_016418.5, NM_181825.3 and 2 more transcripts); c.1168A>G, p.Arg390Gly (NM_001407067.1); c.1273A>G, p.Arg425Gly (NM_181828.3, NM_001407055.1); c.1264A>G, p.Arg422Gly (NM_001407057.1, NM_001407059.1); c.1141A>G, p.Arg381Gly (NM_001407062.1); c.1150A>G, p.Arg384Gly (NM_001407063.1, NM_001407064.1, NM_181830.3 and 1 more transcripts); and 2 more; short protein forms R384G, R429G, R467G, R390G, R422G, R289G, R381G, R426G.
Identifiers: ClinVar variation 2194351 (VCV002194351.5), dbSNP rs1478205485, ClinGen allele CA411149042.